The following is an entry in ClinVar:

NM_003036.4(SKI):c.1974C>T (p.Arg658=)

Gene: SKI (SKI proto-oncogene; plus strand). Cytogenetic location: 1p36.32.
Variant type: single nucleotide variant.
Coding change: c.1974C>T on transcript NM_003036.4 (MANE Select); coding-DNA position 1974, C replaced by T.
Protein change: p.Arg658=; no amino-acid change (arginine 658 retained).
Molecular consequence: synonymous variant.
Genome position (GRCh38, 1-based): chr1:2,306,226, C>T. VCF-style: chr1-2306226-C-T. GRCh37 (hg19) VCF-style: chr1-2237665-C-T.
Other names: p.R658R:CGC>CGT; p.Arg658=.
Identifiers: ClinVar variation 139117 (VCV000139117.71), dbSNP rs201895384, ClinGen allele CA203280.

ClinVar aggregate classification (germline): Benign/Likely benign. Review status: criteria provided, multiple submitters, no conflicts (2 of 4 stars). 12 submissions from 12 submitters: Benign (9); Likely benign (3). Last evaluated 2026-09-01.

Conditions:
Familial thoracic aortic aneurysm and aortic dissection (TAAD). Also called: Thoracic aortic aneurysms and dissections. Identifiers: Orphanet 91387, MedGen C4707243, MONDO:0019625.
Shprintzen-Goldberg syndrome (SGS). Also called: CRANIOSYNOSTOSIS WITH ARACHNODACTYLY AND ABDOMINAL HERNIAS; SHPRINTZEN-GOLDBERG CRANIOSYNOSTOSIS SYNDROME; Marfanoid disorder with craniosynostosis type 1; Marfanoid craniosynostosis syndrome; Shprintzen-Goldberg marfanoid syndrome. Identifiers: Orphanet 2462, MedGen C1321551, MONDO:0008426, OMIM 182212.

Allele frequency attached by ClinVar (database versions not stated): 1000 Genomes Project 0.00300; 1000 Genomes Project 30x 0.00312; ESP Exome Variant Server 0.00399; TOPMed 0.00438; gnomAD 0.00600 and 0.00623; gnomAD exomes 0.00644; ExAC 0.01081.
gnomAD v4.1: 10,497 of 1,560,498 alleles (0.67%); highest among the groups gnomAD compares: Non-Finnish European, 0.74%; 51 homozygotes.

Submissions (12):

CeGaT Center for Human Genetics Tuebingen
Classification: Likely benign. Last evaluated: 2026-09-01. Review status: criteria provided, single submitter. Criteria: CeGaT Center For Human Genetics Tuebingen Variant Classification Criteria Version 2. Collection method: clinical testing. Allele origin: germline. Affected: yes. Observed: 75 variant alleles.
Comment: SKI: BP4, BP7, BS2

Labcorp Genetics (formerly Invitae), Labcorp
Classification: Benign for Shprintzen-Goldberg syndrome. Last evaluated: 2026-02-01. Review status: criteria provided, single submitter. Criteria: Invitae Variant Classification Sherloc (09022015). Collection method: clinical testing. Allele origin: germline.

ARUP Laboratories, Molecular Genetics and Genomics, ARUP Laboratories
Classification: Benign for Shprintzen-Goldberg syndrome. Last evaluated: 2025-05-23. Review status: criteria provided, single submitter. Criteria: ARUP Molecular Germline Variant Investigation Process 2024. Collection method: clinical testing. Allele origin: germline.

Molecular Diagnostic Laboratory for Inherited Cardiovascular Disease, Montreal Heart Institute
Classification: Benign. Last evaluated: 2025-04-09. Review status: criteria provided, single submitter. Criteria: ACMG Guidelines, 2015. Collection method: clinical testing. Allele origin: germline. Affected: no.

Blueprint Genetics
Classification: Likely benign. Last evaluated: 2024-11-25. Review status: criteria provided, single submitter. Criteria: ACMG Guidelines, 2015. Collection method: clinical testing. Allele origin: germline.

Mayo Clinic Laboratories, Mayo Clinic
Classification: Benign. Last evaluated: 2024-06-24. Review status: criteria provided, single submitter. Criteria: ACMG Guidelines, 2015. Collection method: clinical testing. Allele origin: germline. Observed: 21 variant alleles.
Comment: BP4, BP7

Women's Health and Genetics/Laboratory Corporation of America, LabCorp
Classification: Benign. Last evaluated: 2023-07-29. Review status: criteria provided, single submitter. Criteria: LabCorp Variant Classification Summary - May 2015. Collection method: clinical testing. Allele origin: germline.

Ambry Genetics
Classification: Benign for Familial thoracic aortic aneurysm and aortic dissection. Last evaluated: 2015-05-27. Review status: criteria provided, single submitter. Criteria: Ambry Variant Classification Scheme 2023. Collection method: clinical testing. Allele origin: germline.

Eurofins Ntd Llc (ga)
Classification: Benign. Last evaluated: 2014-10-07. Review status: criteria provided, single submitter. Criteria: EGL Classification Definitions 2015. Collection method: clinical testing. Allele origin: germline. Observed: 1 variant allele, 1 heterozygote.

GeneDx
Classification: Benign. Last evaluated: 2014-06-05. Review status: criteria provided, single submitter. Criteria: GeneDx Variant Classification (06012015). Collection method: clinical testing. Allele origin: germline. Affected: yes.
Comment: This variant is considered likely benign or benign based on one or more of the following criteria: it is a conservative change, it occurs at a poorly conserved position in the protein, it is predicted to be benign by multiple in silico algorithms, and/or has population frequency not consistent with disease.

Breakthrough Genomics
Classification: Likely benign. Review status: criteria provided, single submitter. Criteria: ACMG Guidelines, 2015. Collection method: not provided. Allele origin: germline. Inheritance: Autosomal dominant inheritance. Affected: yes.

PreventionGenetics, part of Exact Sciences
Classification: Benign. Review status: criteria provided, single submitter. Criteria: ACMG Guidelines, 2015. Collection method: clinical testing. Allele origin: germline.